The following is an entry in ClinVar:

NM_001191061.2(SLC25A22):c.263A>G (p.Asp88Gly)

Gene: SLC25A22 (solute carrier family 25 member 22; minus strand). Cytogenetic location: 11p15.5.
Variant type: single nucleotide variant.
Coding change: c.263A>G on transcript NM_001191061.2 (MANE Select); coding-DNA position 263, A replaced by G.
Protein change: p.Asp88Gly; replaces aspartic acid 88 with glycine.
Molecular consequence: missense variant.
Genome position (GRCh38, 1-based): chr11:793,559, T>C on the plus strand (A>G on the coding strand, the complement: SLC25A22 is on the minus strand). VCF-style: chr11-793559-T-C. GRCh37 (hg19) VCF-style: chr11-793559-T-C.
Other names: c.263A>G (NM_024698.5); c.263A>G, p.Asp88Gly (NM_001191060.2, NM_024698.6); short protein forms D88G.
Identifiers: ClinVar variation 1481666 (VCV001481666.9), dbSNP rs2133706338, ClinGen allele CA378920866.

ClinVar aggregate classification (germline): Uncertain significance. Review status: criteria provided, multiple submitters, no conflicts (2 of 4 stars). 2 submissions from 2 submitters: Uncertain significance (2). Last evaluated 2023-11-20.

Conditions:
Inborn genetic diseases. Identifiers: MedGen C0950123, MeSH D030342.
Early-infantile DEE. Also called: Early infantile epileptic encephalopathy with suppression bursts; Early infantile epileptic encephalopathy; Ohtahara syndrome. Identifiers: Orphanet 1934, MedGen C0393706, MONDO:0800491.

Submissions (2):

Labcorp Genetics (formerly Invitae), Labcorp
Classification: Uncertain significance for Early-infantile DEE. Last evaluated: 2023-11-20. Review status: criteria provided, single submitter. Criteria: Invitae Variant Classification Sherloc (09022015). Collection method: clinical testing. Allele origin: germline.
Comment: This sequence change replaces aspartic acid, which is acidic and polar, with glycine, which is neutral and non-polar, at codon 88 of the SLC25A22 protein (p.Asp88Gly). This variant is not present in population databases (gnomAD no frequency). This missense change has been observed in individual(s) with clinical features of SLC25A22-related conditions (Invitae). ClinVar contains an entry for this variant (Variation ID: 1481666). Advanced modeling of protein sequence and biophysical properties (such as structural, functional, and spatial information, amino acid conservation, physicochemical variation, residue mobility, and thermodynamic stability) has been performed at Invitae for this missense variant, however the output from this modeling did not meet the statistical confidence thresholds required to predict the impact of this variant on SLC25A22 protein function. In summary, the available evidence is currently insufficient to determine the role of this variant in disease. Therefore, it has been classified as a Variant of Uncertain Significance.

Ambry Genetics
Classification: Uncertain significance for Inborn genetic diseases. Last evaluated: 2023-07-25. Review status: criteria provided, single submitter. Criteria: Ambry Variant Classification Scheme 2023. Collection method: clinical testing. Allele origin: germline.